The following is an entry in ClinVar:

NM_001371986.1(UNC80):c.3250+9A>G

Gene: UNC80 (unc-80 subunit of NALCN channel complex; plus strand). Cytogenetic location: 2q34.
Variant type: single nucleotide variant.
Coding change: c.3250+9A>G on transcript NM_001371986.1 (MANE Select); 9 bases into the intron after coding-DNA position 3250, A replaced by G.
Molecular consequence: intron variant.
Genome position (GRCh38, 1-based): chr2:209,839,439, A>G. VCF-style: chr2-209839439-A-G. GRCh37 (hg19) VCF-style: chr2-210704163-A-G.
Other names: c.3256+3A>G (NM_032504.2); c.3241+3A>G (NM_182587.4).
Identifiers: ClinVar variation 376940 (VCV000376940.16), dbSNP rs144170692, ClinGen allele CA2083097.

ClinVar aggregate classification (germline): Conflicting classifications of pathogenicity. Review status: criteria provided, conflicting classifications (1 of 4 stars). 5 submissions from 5 submitters: Uncertain significance (1); Benign (1); Likely benign (2). 1 of the submissions does not count toward it. Last evaluated 2026-02-03.

Conditions:
UNC80-related disorder. Also called: UNC80-related condition.
Hypotonia, infantile, with psychomotor retardation and characteristic facies 2 (IHPRF2). Also called: UNC80 Deficiency. Identifiers: Orphanet 371364, Orphanet 700333, MedGen C4225203, MONDO:0014777, OMIM 616801.

Allele frequency attached by ClinVar (database versions not stated): gnomAD exomes 0.00018 and 0.00042; ExAC 0.00118; ESP Exome Variant Server 0.00131; gnomAD 0.00188 and 0.00196; TOPMed 0.00232; 1000 Genomes Project 30x 0.00328; 1000 Genomes Project 0.00339.
gnomAD v4.1: 568 of 1,551,908 alleles (0.037%); highest among the groups gnomAD compares: African/African-American, 0.6%; no homozygotes.

Submissions (5):

Labcorp Genetics (formerly Invitae), Labcorp
Classification: Benign. Last evaluated: 2026-02-03. Review status: criteria provided, single submitter. Criteria: Invitae Variant Classification Sherloc (09022015). Collection method: clinical testing. Allele origin: germline.

Blueprint Genetics
Classification: Likely benign. Last evaluated: 2024-09-18. Review status: criteria provided, single submitter. Criteria: ACMG Guidelines, 2015. Collection method: clinical testing. Allele origin: germline.

ARUP Laboratories, Molecular Genetics and Genomics, ARUP Laboratories
Classification: Uncertain significance for Hypotonia, infantile, with psychomotor retardation and characteristic facies 2. Last evaluated: 2024-06-06. Review status: criteria provided, single submitter. Criteria: ARUP Molecular Germline Variant Investigation Process 2024. Collection method: clinical testing. Allele origin: germline.

Center for Pediatric Genomic Medicine, Children's Mercy Hospital and Clinics
Classification: Likely benign. Last evaluated: 2016-12-30. Review status: criteria provided, single submitter. Criteria: ACMG Guidelines, 2015. Collection method: clinical testing. Allele origin: germline.
ClinVar note: Converted during submission from Likely Benign to Likely benign.

PreventionGenetics, part of Exact Sciences
Classification: Likely benign for UNC80-related condition. Last evaluated: 2019-11-18. Review status: no assertion criteria provided. Collection method: clinical testing. Allele origin: germline. Not counted in ClinVar's aggregate classification.
Comment: This variant is classified as likely benign based on ACMG/AMP sequence variant interpretation guidelines (Richards et al. 2015 PMID: 25741868, with internal and published modifications).